The following is an entry in ClinVar:

ClinVar aggregate classification (germline): Uncertain significance. Review status: criteria provided, multiple submitters, no conflicts (2 of 4 stars). 2 submissions from 2 submitters: Uncertain significance (2). Last evaluated 2023-12-01.

Conditions:
Inborn genetic diseases. Identifiers: MedGen C0950123, MeSH D030342.
Hereditary spastic paraplegia 75. Also called: Spastic paraplegia 75, autosomal recessive. Identifiers: Orphanet 459056, MedGen C4225250, MONDO:0014729, OMIM 616680.

Allele frequency attached by ClinVar (database versions not stated): ExAC 0.00003; gnomAD 0.00004 and 0.00005; gnomAD exomes 0.00001 and 0.00005; TOPMed 0.00002; 1000 Genomes Project 30x 0.00016; 1000 Genomes Project 0.00020.
gnomAD v4.1: 26 of 1,614,092 alleles (0.0016%); highest among the groups gnomAD compares: East Asian, 0.022%; no homozygotes.

Submissions (2):

Ambry Genetics
Classification: Uncertain significance for Inborn genetic diseases. Last evaluated: 2023-12-01. Review status: criteria provided, single submitter. Criteria: Ambry Variant Classification Scheme 2023. Collection method: clinical testing. Allele origin: germline.

Labcorp Genetics (formerly Invitae), Labcorp
Classification: Uncertain significance for Hereditary spastic paraplegia 75. Last evaluated: 2022-05-25. Review status: criteria provided, single submitter. Criteria: Invitae Variant Classification Sherloc (09022015). Collection method: clinical testing. Allele origin: germline.
Comment: In summary, the available evidence is currently insufficient to determine the role of this variant in disease. Therefore, it has been classified as a Variant of Uncertain Significance. Algorithms developed to predict the effect of missense changes on protein structure and function (SIFT, PolyPhen-2, Align-GVGD) all suggest that this variant is likely to be tolerated. ClinVar contains an entry for this variant (Variation ID: 579541). This variant has not been reported in the literature in individuals affected with MAG-related conditions. This variant is present in population databases (rs186777043, gnomAD 0.06%). This sequence change replaces valine, which is neutral and non-polar, with isoleucine, which is neutral and non-polar, at codon 107 of the MAG protein (p.Val107Ile).

NM_002361.4(MAG):c.319G>A (p.Val107Ile)

Gene: MAG (myelin associated glycoprotein; plus strand). Cytogenetic location: 19q13.12.
Variant type: single nucleotide variant.
Coding change: c.319G>A on transcript NM_002361.4 (MANE Select); coding-DNA position 319, G replaced by A.
Protein change: p.Val107Ile; replaces valine 107 with isoleucine.
Molecular consequence: missense variant.
Genome position (GRCh38, 1-based): chr19:35,295,885, G>A. VCF-style: chr19-35295885-G-A. GRCh37 (hg19) VCF-style: chr19-35786788-G-A.
Other names: c.244G>A, p.Val82Ile (NM_001199216.2); c.319G>A, p.Val107Ile (NM_080600.3); short protein forms V107I, V82I.
Identifiers: ClinVar variation 579541 (VCV000579541.10), dbSNP rs186777043, ClinGen allele CA9375975.